The following is an entry in ClinVar:

ClinVar aggregate classification (germline): Conflicting classifications of pathogenicity. Review status: criteria provided, conflicting classifications (1 of 4 stars). 2 submissions from 2 submitters: Pathogenic (1); Uncertain significance (1). Last evaluated 2024-05-06.

Conditions:
Hereditary cancer-predisposing syndrome. Also called: Tumor predisposition; Hereditary neoplastic syndrome; Neoplastic Syndromes, Hereditary; Hereditary Cancer Syndrome. Identifiers: Orphanet 140162, MedGen C0027672, MeSH D009386, MONDO:0015356.

Submissions (2):

Labcorp Genetics (formerly Invitae), Labcorp
Classification: Pathogenic. Last evaluated: 2024-05-06. Review status: criteria provided, single submitter. Criteria: Invitae Variant Classification Sherloc (09022015). Collection method: clinical testing. Allele origin: germline.
Comment: This sequence change creates a premature translational stop signal (p.Met226Ilefs*48) in the NTHL1 gene. While this is not anticipated to result in nonsense mediated decay, it is expected to disrupt the last 87 amino acid(s) of the NTHL1 protein. This variant is not present in population databases (gnomAD no frequency). This variant has not been reported in the literature in individuals affected with NTHL1-related conditions. ClinVar contains an entry for this variant (Variation ID: 845530). This variant disrupts a region of the NTHL1 protein in which other variant(s) (p.Gln287*) have been determined to be pathogenic (PMID: 27329137, 30552997, 30753826). This suggests that this is a clinically significant region of the protein, and that variants that disrupt it are likely to be disease-causing. For these reasons, this variant has been classified as Pathogenic.

Ambry Genetics
Classification: Uncertain significance for Hereditary cancer-predisposing syndrome. Last evaluated: 2024-03-21. Review status: criteria provided, single submitter. Criteria: Ambry Variant Classification Scheme 2023. Collection method: clinical testing. Allele origin: germline.
Comment: The c.674_677dupCTAT variant, located in coding exon 4 of the NTHL1 gene, results from a duplication of CTAT at nucleotide position 674, causing a translational frameshift with a predicted alternate stop codon (p.M226Ifs*48). This alteration occurs at the 3' terminus of theNTHL1 gene, is not expected to trigger nonsense-mediated mRNAdecay, and only impacts the last 28%, 87 amino acids, of the protein. The exact functional effect of this alteration is unknown. Based on the available evidence, the clinical significance of this alteration remains unclear.

Literature cited by the submitters: PubMed 27329137 (cited by Labcorp Genetics (formerly Invitae), Labcorp); PubMed 30552997 (cited by Labcorp Genetics (formerly Invitae), Labcorp); PubMed 30753826 (cited by Labcorp Genetics (formerly Invitae), Labcorp).

NM_002528.7(NTHL1):c.650_653dup (p.Met218fs)

Gene: NTHL1 (nth like DNA glycosylase 1; minus strand). Cytogenetic location: 16p13.3.
Variant type: Duplication.
Coding change: c.650_653dup on transcript NM_002528.7 (MANE Select); coding-DNA positions 650 to 653, 4 bases duplicated (CTAT; older notation c.650_653dupCTAT).
Protein change: p.Met218fs; shifts the reading frame from methionine 218.
Molecular consequence: frameshift variant.
Genome position (GRCh38, 1-based): chr16:2,043,599-2,043,602, ATAG duplicated on the plus strand (CTAT on the coding strand, the reverse complement: NTHL1 is on the minus strand). VCF-style (leftmost placement, unchanged base first): chr16-2043598-C-CATAG. GRCh37 (hg19) VCF-style: chr16-2093599-C-CATAG.
Other names: c.674_677dupCTAT (NM_002528.5); c.479_482dup, p.Met161fs (NM_001318193.2); c.320_323dup, p.Met108fs (NM_001318194.2); short protein forms M161fs, M218fs, M108fs.
Identifiers: ClinVar variation 845530 (VCV000845530.10), dbSNP rs2084298057, ClinGen allele CA916083476.
Genomic context (GRCh38, chr16:2,043,598, plus strand): 5'-TGGAGCCAGCCCCGCCCTCCTCTACTCACCAATGCCTGACACAGTGCCCCAGGCCACAGC[C>CATAG]ATAGCCAGGTGTGCCATCTTGGGCCCAACACCCGGCAGCGCCACCAGCTCGGCCACAGAG-3'